The following is an entry in ClinVar:

NM_001079668.3(NKX2-1):c.1050del (p.Gln350fs)

Genes: NKX2-1 (NK2 homeobox 1; minus strand), SFTA3 (surfactant associated 3; minus strand). Cytogenetic location: 14q13.3.
Variant type: Deletion.
Coding change: c.1050del on transcript NM_001079668.3 (MANE Select); coding-DNA position 1050, one base deleted (G; older notation c.1050delG).
Protein change: p.Gln350fs; shifts the reading frame from glutamine 350.
Molecular consequence: frameshift variant.
Genome position (GRCh38, 1-based): chr14:36,517,434, C deleted on the plus strand (G on the coding strand, the reverse complement: NKX2-1 is on the minus strand). VCF-style (leftmost placement, unchanged base first): chr14-36517433-GC-G. GRCh37 (hg19) VCF-style: chr14-36986638-GC-G.
Other names: c.960del, p.Gln320fs (NM_003317.4); short protein forms Q320fs, Q350fs.
Identifiers: ClinVar variation 495058 (VCV000495058.3), dbSNP rs1555349146, ClinGen allele CA658683877.
Genomic context (GRCh38, chr14:36,517,433, plus strand): 5'-GCAGCGCCGCGGGGCTGGCGGCGTGGTGCGCCAGGTCCGGAGACTGGCCTGCGCTGCCTG[GC>G]TGGTGGCCCGGGTGTGCGCCAAGGCCGGCGCCACCGCTGCCCACGGAGATGGCCGCTGCC-3'

ClinVar aggregate classification (germline): Pathogenic (1 of 4 stars; one submission).

Conditions:
Benign hereditary chorea (BHC). Also called: Benign Hereditary Chorea (BHC); HEREDITARY PROGRESSIVE CHOREA WITHOUT DEMENTIA. Identifiers: Orphanet 1429, MedGen C0393584, MONDO:0021011, OMIM 118700.

Submission:

Center of Genomic medicine, Geneva, University Hospital of Geneva
Classification: Pathogenic for Benign hereditary chorea. Last evaluated: 2017-08-14. Review status: criteria provided, single submitter. Criteria: ACMG Guidelines, 2015. Collection method: clinical testing. Allele origin: maternal. Affected: yes.